The following is an entry in ClinVar:

NM_006121.4(KRT1):c.641T>C (p.Leu214Pro)

Gene: KRT1 (keratin 1; minus strand). Cytogenetic location: 12q13.13.
Variant type: single nucleotide variant.
Coding change: c.641T>C on transcript NM_006121.4 (MANE Select); coding-DNA position 641, T replaced by C.
Protein change: p.Leu214Pro; replaces leucine 214 with proline.
Molecular consequence: missense variant.
Genome position (GRCh38, 1-based): chr12:52,678,707, A>G on the plus strand (T>C on the coding strand, the complement: KRT1 is on the minus strand). VCF-style: chr12-52678707-A-G. GRCh37 (hg19) VCF-style: chr12-53072491-A-G.
Other names: short protein forms L214P.
Identifiers: ClinVar variation 66660 (VCV000066660.2), dbSNP rs61549035, ClinGen allele CA217471.

ClinVar aggregate classification (germline): Uncertain significance. Review status: criteria provided, single submitter (1 of 4 stars). 2 submissions from 2 submitters: Uncertain significance (1). 1 of the submissions does not count toward it. Last evaluated 2025-03-20.

Submissions (2):

Labcorp Genetics (formerly Invitae), Labcorp
Classification: Uncertain significance. Last evaluated: 2025-03-20. Review status: criteria provided, single submitter. Criteria: Invitae Variant Classification Sherloc (09022015). Collection method: clinical testing. Allele origin: germline.
Comment: This sequence change replaces leucine, which is neutral and non-polar, with proline, which is neutral and non-polar, at codon 214 of the KRT1 protein (p.Leu214Pro). This variant is not present in population databases (gnomAD no frequency). This missense change has been observed in individual(s) with epidermolytic hyperkeratosis (PMID: 10844506). It has also been observed to segregate with disease in related individuals. ClinVar contains an entry for this variant (Variation ID: 66660). Invitae Evidence Modeling of protein sequence and biophysical properties (such as structural, functional, and spatial information, amino acid conservation, physicochemical variation, residue mobility, and thermodynamic stability) indicates that this missense variant is expected to disrupt KRT1 protein function with a positive predictive value of 80%. In summary, the available evidence is currently insufficient to determine the role of this variant in disease. Therefore, it has been classified as a Variant of Uncertain Significance.

Epithelial Biology;  Institute of Medical Biology, Singapore
No classification provided. Review status: no classification provided. Collection method: not provided. Allele origin: not provided. Not counted in ClinVar's aggregate classification.

Literature cited by the submitters: PubMed 10844506 (cited by Labcorp Genetics (formerly Invitae), Labcorp).